The following is an entry in ClinVar:

ClinVar aggregate classification (germline): Conflicting classifications of pathogenicity. Review status: criteria provided, conflicting classifications (1 of 4 stars). 4 submissions from 4 submitters: Uncertain significance (3); Likely benign (1). Last evaluated 2026-05-04.

Conditions:
Paediatric disorders.
Inborn genetic diseases. Identifiers: MedGen C0950123, MeSH D030342.

Allele frequency attached by ClinVar (database versions not stated): ExAC 0.00001; TOPMed 0.00001; gnomAD 0.00002.
gnomAD v4.1: 37 of 1,613,660 alleles (0.0023%); highest among the groups gnomAD compares: East Asian, 0.011%; no homozygotes.

Submissions (4):

North West Genomic Laboratory Hub, Manchester University NHS Foundation Trust
Classification: Uncertain significance for Paediatric disorders. Last evaluated: 2026-05-04. Review status: criteria provided, single submitter. Criteria: ACGS Best Practice Guidelines for Variant Classification in Rare Disease 2024. Collection method: clinical testing. Allele origin: germline. Affected: yes.
Comment: PP2_Supp BP4_Supp

Labcorp Genetics (formerly Invitae), Labcorp
Classification: Likely benign. Last evaluated: 2024-10-07. Review status: criteria provided, single submitter. Criteria: Invitae Variant Classification Sherloc (09022015). Collection method: clinical testing. Allele origin: germline.

Ambry Genetics
Classification: Uncertain significance for Inborn genetic diseases. Last evaluated: 2023-05-31. Review status: criteria provided, single submitter. Criteria: Ambry Variant Classification Scheme 2023. Collection method: clinical testing. Allele origin: germline.

GeneDx
Classification: Uncertain significance. Last evaluated: 2023-05-07. Review status: criteria provided, single submitter. Criteria: GeneDx Variant Classification Process June 2021. Collection method: clinical testing. Allele origin: germline. Affected: yes.
Comment: In silico analysis supports that this missense variant has a deleterious effect on protein structure/function; Has not been previously published as pathogenic or benign to our knowledge

NM_001170629.2(CHD8):c.5782C>T (p.Arg1928Trp)

Gene: CHD8 (chromodomain helicase DNA binding protein 8; minus strand). Cytogenetic location: 14q11.2.
Variant type: single nucleotide variant.
Coding change: c.5782C>T on transcript NM_001170629.2 (MANE Select); coding-DNA position 5782, C replaced by T.
Protein change: p.Arg1928Trp; replaces arginine 1928 with tryptophan.
Molecular consequence: missense variant.
Genome position (GRCh38, 1-based): chr14:21,394,013, G>A on the plus strand (C>T on the coding strand, the complement: CHD8 is on the minus strand). VCF-style: chr14-21394013-G-A. GRCh37 (hg19) VCF-style: chr14-21862172-G-A.
Other names: c.4945C>T, p.Arg1649Trp (NM_020920.4); short protein forms R1649W, R1928W.
Identifiers: ClinVar variation 2554662 (VCV002554662.7), dbSNP rs749752534, ClinGen allele CA7090893.